The following is an entry in ClinVar:

ClinVar aggregate classification (germline): Uncertain significance (1 of 4 stars; one submission).

Conditions:
Emery-Dreifuss muscular dystrophy 4, autosomal dominant (EDMD4). Also called: EMERY-DREIFUSS MUSCULAR DYSTROPHY 4 WITH VARIABLE FEATURES. Identifiers: Orphanet 261, MedGen C2751807, MONDO:0013071, OMIM 612998.
Autosomal recessive ataxia, Beauce type. Also called: SYNE1-Related Autosomal Recessive Cerebellar Ataxia; Spinocerebellar ataxia, autosomal recessive 8; ATAXIA, RECESSIVE, OF BEAUCE; SYNE1 Deficiency. Identifiers: Orphanet 88644, MedGen C1853116, MONDO:0012549, OMIM 610743.

gnomAD v4.1: 6 of 1,614,184 alleles (0.00037%); highest among the groups gnomAD compares: Admixed American, 0.01%; no homozygotes.

Submission:

Labcorp Genetics (formerly Invitae), Labcorp
Classification: Uncertain significance for Emery-Dreifuss muscular dystrophy 4, autosomal dominant; Autosomal recessive ataxia, Beauce type. Last evaluated: 2024-10-22. Review status: criteria provided, single submitter. Criteria: Invitae Variant Classification Sherloc (09022015). Collection method: clinical testing. Allele origin: germline.
Comment: This sequence change replaces serine, which is neutral and polar, with arginine, which is basic and polar, at codon 4866 of the SYNE1 protein (p.Ser4866Arg). This variant is present in population databases (rs780093837, gnomAD 0.01%). This variant has not been reported in the literature in individuals affected with SYNE1-related conditions. ClinVar contains an entry for this variant (Variation ID: 1376022). An algorithm developed to predict the effect of missense changes on protein structure and function (PolyPhen-2) suggests that this variant¬¨‚Ä†is likely to be tolerated. In summary, the available evidence is currently insufficient to determine the role of this variant in disease. Therefore, it has been classified as a Variant of Uncertain Significance.

NM_182961.4(SYNE1):c.14809A>C (p.Ser4937Arg)

Gene: SYNE1 (spectrin repeat containing nuclear envelope protein 1; minus strand). Cytogenetic location: 6q25.2.
Variant type: single nucleotide variant.
Coding change: c.14809A>C on transcript NM_182961.4 (MANE Select); coding-DNA position 14809, A replaced by C.
Protein change: p.Ser4937Arg; replaces serine 4937 with arginine.
Molecular consequence: missense variant.
Genome position (GRCh38, 1-based): chr6:152,329,876, T>G on the plus strand (A>C on the coding strand, the complement: SYNE1 is on the minus strand). VCF-style: chr6-152329876-T-G. GRCh37 (hg19) VCF-style: chr6-152651011-T-G.
Other names: c.14596A>C, p.Ser4866Arg (NM_033071.5); short protein forms S4866R, S4937R.
Identifiers: ClinVar variation 1376022 (VCV001376022.5), dbSNP rs780093837, ClinGen allele CA4055943.
Genomic context (GRCh38, chr6:152,329,876, plus strand): 5'-CCTTGGCCTTTGTGAACTTCTCCTTTTCCTTGTGACTCAGCGCATTCATGATTCTCAAGC[T>G]GGACTGGACCTCTTCCTGATGAATTTGGATTTTTCTGATTTCCTCTTGGATGTCCTGCAG-3'
Protein context (NP_892006.3, residues 4927-4947): IQIHQEEVQS[Ser4937Arg]LRIMNALSHK